The following is an entry in ClinVar:

NM_006210.3(PEG3):c.1361G>T (p.Cys454Phe)

Genes: PEG3 (paternally expressed 3; minus strand), ZIM2 (zinc finger imprinted 2; minus strand). Cytogenetic location: 19q13.43.
Variant type: single nucleotide variant.
Coding change: c.1361G>T on transcript NM_006210.3 (MANE Select); coding-DNA position 1361, G replaced by T.
Protein change: p.Cys454Phe; replaces cysteine 454 with phenylalanine.
Molecular consequence: missense variant. On other transcripts: intron variant (11).
Genome position (GRCh38, 1-based): chr19:56,817,081, C>A on the plus strand (G>T on the coding strand, the complement: PEG3 is on the minus strand). VCF-style: chr19-56817081-C-A. GRCh37 (hg19) VCF-style: chr19-57328449-C-A.
Other names: c.1361G>T, p.Cys454Phe (NM_001146184.2); c.983G>T, p.Cys328Phe (NM_001146185.2); c.989G>T, p.Cys330Phe (NM_001146187.2, NM_001369720.1, NM_001369721.1 and 13 more transcripts); c.1367G>T, p.Cys456Phe (NM_001369717.1, NM_001369718.1); c.1274G>T, p.Cys425Phe (NM_001369719.1); c.896G>T, p.Cys299Phe (NM_001369734.1, NM_001369735.1, NM_001369736.1 and 2 more transcripts); c.397+1519G>T (NM_015363.5, NM_001387358.1, NM_001146326.2 and 5 more transcripts); c.490+665G>T (NM_001369774.1, NM_001369773.1, NM_001387356.1); short protein forms C299F, C328F, C330F, C425F, C454F, C456F.
Identifiers: ClinVar variation 4861771 (VCV004861771.1).

ClinVar aggregate classification (germline): Uncertain significance (1 of 4 stars; one submission).

gnomAD v4.1: 1 of 1,614,196 alleles (0.000062%); highest among the groups gnomAD compares: Non-Finnish European, 0.000085%; no homozygotes.

Submission:

Ambry Genetics
Classification: Uncertain significance. Last evaluated: 2026-03-19. Review status: criteria provided, single submitter. Criteria: Ambry Variant Classification Scheme 2023. Collection method: clinical testing. Allele origin: germline.
Comment: The c.1361G>T (p.C454F) alteration is located in exon 10 (coding exon 7) of the PEG3 gene. This alteration results from a G to T substitution at nucleotide position 1361, causing the cysteine (C) at amino acid position 454 to be replaced by a phenylalanine (F). Based on data from gnomAD, the T allele has an overall frequency of <0.001% (1/251172) total alleles studied. The highest observed frequency was 0.001% (1/113474) of European (non-Finnish) alleles. Based on insufficient or conflicting evidence, the clinical significance of this alteration remains unclear.